The following is an entry in ClinVar:

ClinVar aggregate classification (germline): Pathogenic. Review status: reviewed by expert panel (3 of 4 stars). 10 submissions from 9 submitters: Pathogenic (1). 9 of the submissions do not count toward it. Last evaluated 2018-08-31.

Conditions:
CFTR-related disorder (CFTR-RD). Also called: CFTR-related condition; CFTR-related disorders. Identifiers: MedGen C5924204, MONDO:7770004.
Congenital bilateral aplasia of vas deferens from CFTR mutation (CBAVD). Identifiers: Orphanet 48, MedGen C0403814, MONDO:0010178, OMIM 277180. Disease mechanism: loss of function.
Cystic fibrosis (CF). Also called: MUCOVISCIDOSIS. Identifiers: Orphanet 586, MedGen C0010674, MONDO:0009061, OMIM 219700. Disease mechanism: loss of function.
Bronchiectasis with or without elevated sweat chloride 1 (BESC1). Also called: Cystic Fibrosis-Like Syndrome. Identifiers: Orphanet 60033, MedGen C2749757, MONDO:0008887, OMIM 211400.

Submissions (10):

CFTR2
Classification: Pathogenic for Cystic fibrosis. Last evaluated: 2018-08-31. Review status: reviewed by expert panel. Criteria: Sosnay PR et al. (Nat Genet 2013). Collection method: research. Allele origin: germline. Affected: yes.

Labcorp Genetics (formerly Invitae), Labcorp
Classification: Pathogenic for Cystic fibrosis. Last evaluated: 2025-01-29. Review status: criteria provided, single submitter. Criteria: Invitae Variant Classification Sherloc (09022015). Collection method: clinical testing. Allele origin: germline. Not counted in ClinVar's aggregate classification.
Comment: This sequence change replaces serine, which is neutral and polar, with phenylalanine, which is neutral and non-polar, at codon 13 of the CFTR protein (p.Ser13Phe). This variant is not present in population databases (gnomAD no frequency). This missense change has been observed in individual(s) with cystic fibrosis (PMID: 9554753, 11158459, 27086061, 31245908). In at least one individual the data is consistent with being in trans (on the opposite chromosome) from a pathogenic variant. ClinVar contains an entry for this variant (Variation ID: 53845). Invitae Evidence Modeling of protein sequence and biophysical properties (such as structural, functional, and spatial information, amino acid conservation, physicochemical variation, residue mobility, and thermodynamic stability) indicates that this missense variant is expected to disrupt CFTR protein function with a positive predictive value of 95%. Experimental studies have shown that this missense change affects CFTR function (PMID: 17235394, 20351101). For these reasons, this variant has been classified as Pathogenic.

Natera, Inc.
Classification: Pathogenic for CFTR-related disorders. Last evaluated: 2025-01-09. Review status: criteria provided, single submitter. Criteria: Natera Variant Classification Schema (03/2026). Collection method: clinical testing. Allele origin: germline. Not counted in ClinVar's aggregate classification.
Comment: The c.38C>T variant in CFTR is a missense variant predicted to cause substitution of serine to phenylalanine at amino acid 13. This variant is rare in the general population with a frequency below the threshold expected for the associated phenotype(s). This variant has been observed in one or more individuals affected with the associated recessive disease, as either homozygous or compound heterozygous with a second variant (PMID: 1577217, 9554753, 27086061, 30888834, 11158459). Given the available evidence, this variant is classified as Pathogenic.

Baylor Genetics
Classification: Pathogenic for Bronchiectasis with or without elevated sweat chloride 1. Last evaluated: 2023-02-04. Review status: criteria provided, single submitter. Criteria: ACMG Guidelines, 2015. Collection method: clinical testing. Allele origin: unknown. Not counted in ClinVar's aggregate classification.

Quest Diagnostics Nichols Institute San Juan Capistrano
Classification: Likely pathogenic. Last evaluated: 2021-04-23. Review status: criteria provided, single submitter. Criteria: Quest Diagnostics criteria. Collection method: clinical testing. Allele origin: unknown. Not counted in ClinVar's aggregate classification.
Comment: This variant has been reported in individuals affected with cystic fibrosis, and in some of those individuals other pathogenic CFTR variants were also identified (PMID: 31245908 (2019), 27086061 (2016), 23405520 (2012), 11158459 (2001), 9554753 (1998)). A functional study has reported that this variant is detrimental to CFTR processing, stability, and surface expression. However the full effect on CFTR function is unknown (PMID: 17235394 (2007). The frequency of this variant in the general population is consistent with pathogenicity. Occurs in 3 or more cases with a lone recessive pathogenic/likely pathogenic variant in the same gene, however only 1-2 cases have phenotype known to be consistent with disease. Based on the available information, the variant is classified as likely pathogenic.

CFTR-France
Classification: Pathogenic for Cystic fibrosis. Last evaluated: 2020-03-26. Review status: criteria provided, single submitter. Criteria: Claustres M et al. (Hum Mutat 2017). Collection method: curation. Allele origin: germline. Affected: yes. Not counted in ClinVar's aggregate classification.

Mendelics
Classification: Pathogenic for Cystic fibrosis. Last evaluated: 2018-11-05. Review status: criteria provided, single submitter. Criteria: Mendelics Assertion Criteria 2017. Collection method: clinical testing. Allele origin: unknown. Affected: yes. Not counted in ClinVar's aggregate classification.

Baylor Genetics
Classification: Likely pathogenic for Congenital bilateral aplasia of vas deferens from CFTR mutation; Cystic fibrosis. Review status: criteria provided, single submitter. Criteria: ACMG Guidelines, 2015. Collection method: clinical testing. Allele origin: germline. Not counted in ClinVar's aggregate classification.

Counsyl
Classification: Uncertain significance for Cystic fibrosis. Last evaluated: 2018-05-22. Review status: no assertion criteria provided. Collection method: clinical testing. Allele origin: unknown. Not counted in ClinVar's aggregate classification.

ClinVar Staff, National Center for Biotechnology Information (NCBI)
No classification provided. Condition: CFTR-related disorders. Review status: no classification provided. Collection method: literature only. Allele origin: germline. Affected: yes. Not counted in ClinVar's aggregate classification.

Literature cited by the submitters: PubMed 9554753 (cited by 5 submitters); PubMed 11158459 (cited by 4 submitters); PubMed 27086061 (cited by 4 submitters); PubMed 31245908 (cited by Labcorp Genetics (formerly Invitae), Labcorp and Quest Diagnostics Nichols Institute San Juan Capistrano); PubMed 17235394 (cited by 3 submitters); PubMed 20351101 (cited by Labcorp Genetics (formerly Invitae), Labcorp); PubMed 1577217 (cited by Natera, Inc.); PubMed 30888834 (cited by Natera, Inc.); PubMed 23405520 (cited by Quest Diagnostics Nichols Institute San Juan Capistrano and Counsyl); PubMed 15772171 (cited by Quest Diagnostics Nichols Institute San Juan Capistrano and Counsyl); PubMed 20653504 (cited by Quest Diagnostics Nichols Institute San Juan Capistrano); PubMed 20351098 (cited by Quest Diagnostics Nichols Institute San Juan Capistrano and Counsyl).

NM_000492.4(CFTR):c.38C>T (p.Ser13Phe)

Gene: CFTR (CF transmembrane conductance regulator; plus strand). Cytogenetic location: 7q31.2.
Variant type: single nucleotide variant.
Coding change: c.38C>T on transcript NM_000492.4 (MANE Select); coding-DNA position 38, C replaced by T.
Protein change: p.Ser13Phe; replaces serine 13 with phenylalanine.
Molecular consequence: missense variant.
Genome position (GRCh38, 1-based): chr7:117,480,132, C>T. VCF-style: chr7-117480132-C-T. GRCh37 (hg19) VCF-style: chr7-117120186-C-T.
Other names: short protein forms S13F.
Identifiers: ClinVar variation 53845 (VCV000053845.19), dbSNP rs397508635, ClinGen allele CA327334.